The following is an entry in ClinVar:

ClinVar aggregate classification (germline): Conflicting classifications of pathogenicity. Review status: criteria provided, conflicting classifications (1 of 4 stars). 3 submissions from 3 submitters: Uncertain significance (2); Likely benign (1). Last evaluated 2026-08-20.

Conditions:
COQ7-related disorder. Also called: COQ7-related condition.

Allele frequency attached by ClinVar (database versions not stated): ESP Exome Variant Server 0.00023; 1000 Genomes Project 30x 0.00031; 1000 Genomes Project 0.00040.
gnomAD v4.1: 159 of 1,614,040 alleles (0.0099%); highest among the groups gnomAD compares: African/African-American, 0.17%; no homozygotes.

Submissions (3):

PreventionGenetics, part of Exact Sciences
Classification: Likely benign for COQ7-related condition. Last evaluated: 2026-08-20. Review status: criteria provided, single submitter. Criteria: ACMG Guidelines, 2015. Collection method: clinical testing. Allele origin: germline.
Comment: This variant is classified as likely benign based on ACMG/AMP sequence variant interpretation guidelines (Richards et al. 2015 PMID: 25741868, with internal and published modifications).

Labcorp Genetics (formerly Invitae), Labcorp
Classification: Uncertain significance. Last evaluated: 2025-01-06. Review status: criteria provided, single submitter. Criteria: Invitae Variant Classification Sherloc (09022015). Collection method: clinical testing. Allele origin: germline.
Comment: This sequence change replaces glycine, which is neutral and non-polar, with tryptophan, which is neutral and slightly polar, at codon 80 of the COQ7 protein (p.Gly80Trp). This variant is present in population databases (rs35773045, gnomAD 0.2%). This variant has not been reported in the literature in individuals affected with COQ7-related conditions. ClinVar contains an entry for this variant (Variation ID: 1406990). An algorithm developed to predict the effect of missense changes on protein structure and function (PolyPhen-2) suggests that this variant is likely to be disruptive. In summary, the available evidence is currently insufficient to determine the role of this variant in disease. Therefore, it has been classified as a Variant of Uncertain Significance.

GeneDx
Classification: Uncertain significance. Last evaluated: 2022-09-06. Review status: criteria provided, single submitter. Criteria: GeneDx Variant Classification Process June 2021. Collection method: clinical testing. Allele origin: germline. Affected: yes.
Comment: In silico analysis supports that this missense variant has a deleterious effect on protein structure/function; Has not been previously published as pathogenic or benign to our knowledge

NM_016138.5(COQ7):c.238G>T (p.Gly80Trp)

Gene: COQ7 (coenzyme Q7, hydroxylase; plus strand). Cytogenetic location: 16p12.3.
Variant type: single nucleotide variant.
Coding change: c.238G>T on transcript NM_016138.5 (MANE Select); coding-DNA position 238, G replaced by T.
Protein change: p.Gly80Trp; replaces glycine 80 with tryptophan.
Molecular consequence: missense variant. On other transcripts: non-coding transcript variant (3).
Genome position (GRCh38, 1-based): chr16:19,072,092, G>T. VCF-style: chr16-19072092-G-T. GRCh37 (hg19) VCF-style: chr16-19083414-G-T.
Other names: c.124G>T, p.Gly42Trp (NM_001190983.2, NM_001370492.1, NM_001370493.1 and 2 more transcripts); c.196G>T, p.Gly66Trp (NM_001370489.1, NM_001370491.1); c.238G>T, p.Gly80Trp (NM_001370490.1); short protein forms G42W, G66W, G80W.
Identifiers: ClinVar variation 1406990 (VCV001406990.6), dbSNP rs35773045, ClinGen allele CA7932928.